The following is an entry in ClinVar:

ClinVar aggregate classification (germline): Conflicting classifications of pathogenicity. Review status: criteria provided, conflicting classifications (1 of 4 stars). 3 submissions from 3 submitters: Pathogenic (1); Uncertain significance (2). Last evaluated 2025-09-15.

Conditions:
Telangiectasia, hereditary hemorrhagic, type 2 (HHT2). Also called: ACVRL1-Related Hereditary Hemorrhagic Telangiectasia; Telangiectasia, hereditary hemorrhagic, type II. Identifiers: Orphanet 774, MedGen C1838163, MONDO:0010880, OMIM 600376. Disease mechanism: loss of function.

Submissions (3):

Labcorp Genetics (formerly Invitae), Labcorp
Classification: Pathogenic for Telangiectasia, hereditary hemorrhagic, type 2. Last evaluated: 2025-09-15. Review status: criteria provided, single submitter. Criteria: Invitae Variant Classification Sherloc (09022015). Collection method: clinical testing. Allele origin: germline.
Comment: This sequence change replaces alanine, which is neutral and non-polar, with proline, which is neutral and non-polar, at codon 327 of the ACVRL1 protein (p.Ala327Pro). This variant is not present in population databases (gnomAD no frequency). This missense change has been observed in individual(s) with clinical features of hereditary hemorrhagic telangiectasia (internal data). ClinVar contains an entry for this variant (Variation ID: 953343). Invitae Evidence Modeling of protein sequence and biophysical properties (such as structural, functional, and spatial information, amino acid conservation, physicochemical variation, residue mobility, and thermodynamic stability) indicates that this missense variant is expected to disrupt ACVRL1 protein function with a positive predictive value of 95%. For these reasons, this variant has been classified as Pathogenic.

ARUP Laboratories, Molecular Genetics and Genomics, ARUP Laboratories
Classification: Uncertain significance for Telangiectasia, hereditary hemorrhagic, type 2. Last evaluated: 2020-12-17. Review status: criteria provided, single submitter. Criteria: ARUP Molecular Germline Variant Investigation Process 2021. Collection method: clinical testing. Allele origin: germline.
Comment: The ACVRL1 c.979G>C; p.Ala327Pro variant, to our knowledge, is not reported in the medical literature but is reported in ClinVar (Variation ID: 953343). This variant is absent from general population databases (Exome Variant Server, Genome Aggregation Database), indicating it is not a common polymorphism. The alanine at codon 327 is highly conserved, and computational analyses predict that this variant is deleterious (REVEL: 0.894). However, given the lack of clinical and functional data, the significance of the p.Ala327Pro variant is uncertain at this time.

GeneDx
Classification: Uncertain significance. Last evaluated: 2019-10-31. Review status: criteria provided, single submitter. Criteria: GeneDx Variant Classification Process June 2021. Collection method: clinical testing. Allele origin: germline. Affected: yes.
Comment: Has not been previously published as pathogenic or benign to our knowledge; Not observed in large population cohorts (Lek et al., 2016); In silico analysis, which includes protein predictors and evolutionary conservation, supports a deleterious effect

NM_000020.3(ACVRL1):c.979G>C (p.Ala327Pro)

Gene: ACVRL1 (activin A receptor like type 1; plus strand). Cytogenetic location: 12q13.13.
Variant type: single nucleotide variant.
Coding change: c.979G>C on transcript NM_000020.3 (MANE Select); coding-DNA position 979, G replaced by C.
Protein change: p.Ala327Pro; replaces alanine 327 with proline.
Molecular consequence: missense variant.
Genome position (GRCh38, 1-based): chr12:51,915,431, G>C. VCF-style: chr12-51915431-G-C. GRCh37 (hg19) VCF-style: chr12-52309215-G-C.
Other names: c.979G>C, p.Ala327Pro (NM_001077401.2); short protein forms A327P.
Identifiers: ClinVar variation 953343 (VCV000953343.17), dbSNP rs1940810597, ClinGen allele CA384901417.
Genomic context (GRCh38, chr12:51,915,431, plus strand): 5'-GCATGCGGCCTGGCGCACCTGCACGTGGAGATCTTCGGTACACAGGGCAAACCAGCCATT[G>C]CCCACCGCGACTTCAAGAGCCGCAATGTGCTGGTCAAGAGCAACCTGCAGTGTTGCATCG-3'
Protein context (NP_000011.2, residues 317-337): IFGTQGKPAI[Ala327Pro]HRDFKSRNVL